The following is an entry in ClinVar:

ClinVar aggregate classification (germline): Uncertain significance. Review status: criteria provided, multiple submitters, no conflicts (2 of 4 stars). 2 submissions from 2 submitters: Uncertain significance (2). Last evaluated 2026-01-18.

Conditions:
Aortic valve disease 2 (AOVD2). Identifiers: MedGen C3542024, MONDO:0013902, OMIM 614823.
Radioulnar synostosis, nonsyndromic, susceptibility to. Identifiers: MedGen C5241445, MONDO:0100183, OMIM 179300.
Craniosynostosis 7 (CRS7). Also called: CRANIOSYNOSTOSIS 7, DIGENIC; CRS7, DIGENIC. Identifiers: MedGen C4479496, MONDO:0044315, OMIM 617439.

Allele frequency attached by ClinVar (database versions not stated): gnomAD exomes below 0.00001.

Submissions (2):

Labcorp Genetics (formerly Invitae), Labcorp
Classification: Uncertain significance for Aortic valve disease 2. Last evaluated: 2026-01-18. Review status: criteria provided, single submitter. Criteria: Invitae Variant Classification Sherloc (09022015). Collection method: clinical testing. Allele origin: germline.
Comment: This sequence change replaces serine, which is neutral and polar, with arginine, which is basic and polar, at codon 394 of the SMAD6 protein (p.Ser394Arg). This variant is not present in population databases (gnomAD no frequency). This variant has not been reported in the literature in individuals affected with SMAD6-related conditions. ClinVar contains an entry for this variant (Variation ID: 1398539). Invitae Evidence Modeling of protein sequence and biophysical properties (such as structural, functional, and spatial information, amino acid conservation, physicochemical variation, residue mobility, and thermodynamic stability) has been performed for this missense variant. However, the output from this modeling did not meet the statistical confidence thresholds required to predict the impact of this variant on SMAD6 protein function. In summary, the available evidence is currently insufficient to determine the role of this variant in disease. Therefore, it has been classified as a Variant of Uncertain Significance.

Juno Genomics, Hangzhou Juno Genomics, Inc
Classification: Uncertain significance for Craniosynostosis 7; Radioulnar synostosis, nonsyndromic, susceptibility to; Aortic valve disease 2. Review status: criteria provided, single submitter. Criteria: ACMG Guidelines, 2015. Collection method: clinical testing. Allele origin: germline.
Comment: Absent from controls (or at extremely low frequency if recessive) in Genome Aggregation Database.;Multiple lines of computational evidence support a deleterious effect on the gene or gene product.

NM_005585.5(SMAD6):c.1182C>G (p.Ser394Arg)

Gene: SMAD6 (SMAD family member 6; plus strand). Cytogenetic location: 15q22.31.
Variant type: single nucleotide variant.
Coding change: c.1182C>G on transcript NM_005585.5 (MANE Select); coding-DNA position 1182, C replaced by G.
Protein change: p.Ser394Arg; replaces serine 394 with arginine.
Molecular consequence: missense variant. On other transcripts: non-coding transcript variant (1).
Genome position (GRCh38, 1-based): chr15:66,781,226, C>G. VCF-style: chr15-66781226-C-G. GRCh37 (hg19) VCF-style: chr15-67073564-C-G.
Other names: short protein forms S394R.
Identifiers: ClinVar variation 1398539 (VCV001398539.8), dbSNP rs2140681716, ClinGen allele CA393202031.